The following is an entry in ClinVar:

NM_001145358.2(SIN3A):c.1242C>T (p.Asn414=)

Gene: SIN3A (SIN3 transcription regulator family member A; minus strand). Cytogenetic location: 15q24.2.
Variant type: single nucleotide variant.
Coding change: c.1242C>T on transcript NM_001145358.2 (MANE Select); coding-DNA position 1242, C replaced by T.
Protein change: p.Asn414=; no amino-acid change (asparagine 414 retained).
Molecular consequence: synonymous variant.
Genome position (GRCh38, 1-based): chr15:75,409,911, G>A on the plus strand (C>T on the coding strand, the complement: SIN3A is on the minus strand). VCF-style: chr15-75409911-G-A. GRCh37 (hg19) VCF-style: chr15-75702252-G-A.
Other names: c.1242C>T, p.Asn414= (NM_001145357.2, NM_015477.3).
Identifiers: ClinVar variation 2895222 (VCV002895222.9), dbSNP rs759472230, ClinGen allele CA7667707.

ClinVar aggregate classification (germline): Likely benign. Review status: criteria provided, multiple submitters, no conflicts (2 of 4 stars). 2 submissions from 2 submitters: Likely benign (2). Last evaluated 2025-10-01.

Allele frequency attached by ClinVar (database versions not stated): TOPMed 0.00002; gnomAD 0.00003; gnomAD exomes 0.00004; ExAC 0.00007.
gnomAD v4.1: 62 of 1,613,928 alleles (0.0038%); highest among the groups gnomAD compares: South Asian, 0.059%; 1 homozygote.

Submissions (2):

CeGaT Center for Human Genetics Tuebingen
Classification: Likely benign. Last evaluated: 2025-10-01. Review status: criteria provided, single submitter. Criteria: CeGaT Center For Human Genetics Tuebingen Variant Classification Criteria Version 2. Collection method: clinical testing. Allele origin: germline. Affected: yes. Observed: 1 variant allele.
Comment: SIN3A: BP4, BS2

Labcorp Genetics (formerly Invitae), Labcorp
Classification: Likely benign. Last evaluated: 2024-05-15. Review status: criteria provided, single submitter. Criteria: Invitae Variant Classification Sherloc (09022015). Collection method: clinical testing. Allele origin: germline.